The following is an entry in ClinVar:

NM_015450.3(POT1):c.937G>A (p.Asp313Asn)

Gene: POT1 (protection of telomeres 1; minus strand). Cytogenetic location: 7q31.33.
Variant type: single nucleotide variant.
Coding change: c.937G>A on transcript NM_015450.3 (MANE Select); coding-DNA position 937, G replaced by A.
Protein change: p.Asp313Asn; replaces aspartic acid 313 with asparagine.
Molecular consequence: missense variant. On other transcripts: non-coding transcript variant (3).
Genome position (GRCh38, 1-based): chr7:124,851,884, C>T on the plus strand (G>A on the coding strand, the complement: POT1 is on the minus strand). VCF-style: chr7-124851884-C-T. GRCh37 (hg19) VCF-style: chr7-124491938-C-T.
Other names: c.544G>A, p.Asp182Asn (NM_001042594.2); short protein forms D313N, D182N.
Identifiers: ClinVar variation 1359398 (VCV001359398.11), dbSNP rs770779418, ClinGen allele CA4465308.

ClinVar aggregate classification (germline): Conflicting classifications of pathogenicity. Review status: criteria provided, conflicting classifications (1 of 4 stars). 4 submissions from 4 submitters: Uncertain significance (2); Likely benign (1). 1 of the submissions does not count toward it. Last evaluated 2025-10-14.

Conditions:
POT1-related disorder. Also called: POT1-related condition.
Hereditary cancer-predisposing syndrome. Also called: Neoplastic Syndromes, Hereditary; Tumor predisposition; Hereditary Cancer Syndrome; Hereditary neoplastic syndrome. Identifiers: Orphanet 140162, MedGen C0027672, MeSH D009386, MONDO:0015356.
Tumor predisposition syndrome 3 (TPDS3). Also called: Melanoma, cutaneous malignant, susceptibility to, 10; Glioma susceptibility 9; LONG TELOMERE SYNDROME, POT1-RELATED; POT1 Tumor Predisposition. Identifiers: Orphanet 618, MedGen C4014476, MONDO:0014368, OMIM 615848.

Allele frequency attached by ClinVar (database versions not stated): gnomAD exomes below 0.00001; ExAC 0.00001.

Submissions (4):

Labcorp Genetics (formerly Invitae), Labcorp
Classification: Uncertain significance for Tumor predisposition syndrome 3. Last evaluated: 2025-10-14. Review status: criteria provided, single submitter. Criteria: Invitae Variant Classification Sherloc (09022015). Collection method: clinical testing. Allele origin: germline.
Comment: This sequence change replaces aspartic acid, which is acidic and polar, with asparagine, which is neutral and polar, at codon 313 of the POT1 protein (p.Asp313Asn). This variant is present in population databases (rs770779418, gnomAD 0.006%). This variant has not been reported in the literature in individuals affected with POT1-related conditions. ClinVar contains an entry for this variant (Variation ID: 1359398). Invitae Evidence Modeling of protein sequence and biophysical properties (such as structural, functional, and spatial information, amino acid conservation, physicochemical variation, residue mobility, and thermodynamic stability) indicates that this missense variant is not expected to disrupt POT1 protein function with a negative predictive value of 80%. In summary, the available evidence is currently insufficient to determine the role of this variant in disease. Therefore, it has been classified as a Variant of Uncertain Significance.

Ambry Genetics
Classification: Likely benign for Hereditary cancer-predisposing syndrome. Last evaluated: 2024-11-29. Review status: criteria provided, single submitter. Criteria: Ambry Variant Classification Scheme 2023. Collection method: clinical testing. Allele origin: germline.

GeneDx
Classification: Uncertain significance. Last evaluated: 2023-10-20. Review status: criteria provided, single submitter. Criteria: GeneDx Variant Classification Process June 2021. Collection method: clinical testing. Allele origin: germline. Affected: yes.
Comment: Not observed at significant frequency in large population cohorts (gnomAD); In silico analysis supports that this missense variant does not alter protein structure/function; Observed in a melanoma patient (Goldstein et al., 2023); This variant is associated with the following publications: (PMID: 36876055)

PreventionGenetics, part of Exact Sciences
Classification: Uncertain significance for POT1-related condition. Last evaluated: 2024-05-22. Review status: no assertion criteria provided. Collection method: clinical testing. Allele origin: germline. Not counted in ClinVar's aggregate classification.
Comment: The POT1 c.937G>A variant is predicted to result in the amino acid substitution p.Asp313Asn. This variant has been reported in two individuals with familial melanoma (Goldstein et al 2023. PubMed ID: 36876055). This variant is reported in 0.0054% of alleles in individuals of East Asian descent in gnomAD. This variant has an interpretation of uncertain significance in ClinVar. At this time, the clinical significance of this variant is uncertain due to the absence of conclusive functional and genetic evidence.